The following is an entry in ClinVar:

NM_000052.7(ATP7A):c.1924G>T (p.Asp642Tyr)

Gene: ATP7A (ATPase copper transporting alpha; plus strand). Cytogenetic location: Xq21.1.
Variant type: single nucleotide variant.
Coding change: c.1924G>T on transcript NM_000052.7 (MANE Select); coding-DNA position 1924, G replaced by T.
Protein change: p.Asp642Tyr; replaces aspartic acid 642 with tyrosine.
Molecular consequence: missense variant.
Genome position (GRCh38, 1-based): chrX:78,011,230, G>T. VCF-style: chrX-78011230-G-T. GRCh37 (hg19) VCF-style: chrX-77266727-G-T.
Other names: c.1924G>T, p.Asp642Tyr (NM_001282224.2); short protein forms D642Y.
Identifiers: ClinVar variation 3750420 (VCV003750420.2).

ClinVar aggregate classification (germline): Uncertain significance (1 of 4 stars; one submission).

Conditions:
Menkes kinky-hair syndrome (MNK). Also called: Copper transport disease; Menkes Disease; Classic Menkes Disease. Identifiers: Orphanet 565, MedGen C0022716, MONDO:0010651, OMIM 309400.
X-linked distal spinal muscular atrophy type 3. Also called: ATP7A-Related Distal Motor Neuropathy; SPINAL MUSCULAR ATROPHY, DISTAL, X-LINKED RECESSIVE; NEURONOPATHY, DISTAL HEREDITARY MOTOR, X-LINKED; NEUROPATHY, DISTAL HEREDITARY MOTOR, X-LINKED. Identifiers: Orphanet 139557, MedGen C1845359, MONDO:0010338, OMIM 300489.
Cutis laxa, X-linked (OHS). Also called: EDS IX; Occipital horn syndrome. Identifiers: Orphanet 198, MedGen C0268353, MONDO:0010572, OMIM 304150.

Submission:

Labcorp Genetics (formerly Invitae), Labcorp
Classification: Uncertain significance for X-linked distal spinal muscular atrophy type 3; Cutis laxa, X-linked; Menkes kinky-hair syndrome. Last evaluated: 2024-02-13. Review status: criteria provided, single submitter. Criteria: Invitae Variant Classification Sherloc (09022015). Collection method: clinical testing. Allele origin: germline.
Comment: This sequence change replaces aspartic acid, which is acidic and polar, with tyrosine, which is neutral and polar, at codon 642 of the ATP7A protein (p.Asp642Tyr). This variant is not present in population databases (gnomAD no frequency). This variant has not been reported in the literature in individuals affected with ATP7A-related conditions. Advanced modeling of protein sequence and biophysical properties (such as structural, functional, and spatial information, amino acid conservation, physicochemical variation, residue mobility, and thermodynamic stability) has been performed at Invitae for this missense variant, however the output from this modeling did not meet the statistical confidence thresholds required to predict the impact of this variant on ATP7A protein function. In summary, the available evidence is currently insufficient to determine the role of this variant in disease. Therefore, it has been classified as a Variant of Uncertain Significance.